The following is an entry in ClinVar:

ClinVar aggregate classification (germline): Benign/Likely benign. Review status: criteria provided, multiple submitters, no conflicts (2 of 4 stars). 2 submissions from 2 submitters: Benign (1); Likely benign (1). Last evaluated 2024-08-22.

Conditions:
Familial cancer of breast. Also called: BREAST CANCER, FAMILIAL; hereditary breast carcinoma; Hereditary breast cancer. Identifiers: Orphanet 227535, MedGen C0346153, MONDO:0016419, OMIM 114480. Disease mechanism: loss of function.
Fanconi anemia complementation group J. Also called: BRIP1-Related Fanconi Anemia. Identifiers: Orphanet 84, MedGen C1836860, MONDO:0012187, OMIM 609054.

Allele frequency attached by ClinVar (database versions not stated): gnomAD exomes below 0.00001.
gnomAD v4.1: 1 of 1,613,840 alleles (0.000062%); highest among the groups gnomAD compares: Non-Finnish European, 0.000085%; no homozygotes.

Submissions (2):

Myriad Genetics, Inc.
Classification: Benign for Familial cancer of breast. Last evaluated: 2024-08-22. Review status: criteria provided, single submitter. Criteria: Myriad Autosomal Dominant, Autosomal Recessive and X-Linked Classification Criteria (2023). Collection method: clinical testing. Allele origin: unknown.
Comment: This variant is considered benign. This variant is a silent/synonymous amino acid change and it is not expected to impact splicing.

Labcorp Genetics (formerly Invitae), Labcorp
Classification: Likely benign for Familial cancer of breast; Fanconi anemia complementation group J. Last evaluated: 2019-10-19. Review status: criteria provided, single submitter. Criteria: Invitae Variant Classification Sherloc (09022015). Collection method: clinical testing. Allele origin: germline.

NM_032043.3(BRIP1):c.1026C>T (p.Ser342=)

Gene: BRIP1 (BRCA1 interacting DNA helicase 1; minus strand). Cytogenetic location: 17q23.2.
Variant type: single nucleotide variant.
Coding change: c.1026C>T on transcript NM_032043.3 (MANE Select); coding-DNA position 1026, C replaced by T.
Protein change: p.Ser342=; no amino-acid change (serine 342 retained).
Molecular consequence: synonymous variant.
Genome position (GRCh38, 1-based): chr17:61,801,367, G>A on the plus strand (C>T on the coding strand, the complement: BRIP1 is on the minus strand). VCF-style: chr17-61801367-G-A. GRCh37 (hg19) VCF-style: chr17-59878728-G-A.
Identifiers: ClinVar variation 751148 (VCV000751148.12), dbSNP rs1603343281, ClinGen allele CA501151931.